The following is an entry in ClinVar:

ClinVar aggregate classification (germline): Uncertain significance (1 of 4 stars; one submission).

Conditions:
Inborn genetic diseases. Identifiers: MedGen C0950123, MeSH D030342.

Submission:

Ambry Genetics
Classification: Uncertain significance for Inborn genetic diseases. Last evaluated: 2023-11-11. Review status: criteria provided, single submitter. Criteria: Ambry Variant Classification Scheme 2023. Collection method: clinical testing. Allele origin: germline.
Comment: The p.C273S variant (also known as c.818G>C), located in coding exon 7 of the ACD gene, results from a G to C substitution at nucleotide position 818. The cysteine at codon 273 is replaced by serine, an amino acid with dissimilar properties. This amino acid position is conserved. In addition, this alteration is predicted to be tolerated by in silico analysis. Since supporting evidence is limited at this time, the clinical significance of this alteration remains unclear.

NM_001082486.2(ACD):c.560G>C (p.Cys187Ser)

Gene: ACD (ACD shelterin complex subunit and telomerase recruitment factor; minus strand). Cytogenetic location: 16q22.1.
Variant type: single nucleotide variant.
Coding change: c.560G>C on transcript NM_001082486.2 (MANE Select); coding-DNA position 560, G replaced by C.
Protein change: p.Cys187Ser; replaces cysteine 187 with serine.
Molecular consequence: missense variant.
Genome position (GRCh38, 1-based): chr16:67,659,013, C>G on the plus strand (G>C on the coding strand, the complement: ACD is on the minus strand). VCF-style: chr16-67659013-C-G. GRCh37 (hg19) VCF-style: chr16-67692916-C-G.
Other names: c.560G>C, p.Cys187Ser (NM_001410884.1); c.551G>C, p.Cys184Ser (NM_022914.3); short protein forms C184S, C187S.
Identifiers: ClinVar variation 3232685 (VCV003232685.1), dbSNP rs2543603702, ClinGen allele CA396354174.